The following is an entry in ClinVar:

NM_000395.3(CSF2RB):c.659C>T (p.Ser220Phe)

Gene: CSF2RB (colony stimulating factor 2 receptor subunit beta; plus strand). Cytogenetic location: 22q12.3.
Variant type: single nucleotide variant.
Coding change: c.659C>T on transcript NM_000395.3 (MANE Select); coding-DNA position 659, C replaced by T.
Protein change: p.Ser220Phe; replaces serine 220 with phenylalanine.
Molecular consequence: missense variant.
Genome position (GRCh38, 1-based): chr22:36,929,748, C>T. VCF-style: chr22-36929748-C-T. GRCh37 (hg19) VCF-style: chr22-37325790-C-T.
Other names: c.659C>T, p.Ser220Phe (NM_001410827.1); short protein forms S220F.
Identifiers: ClinVar variation 2968031 (VCV002968031.3), dbSNP rs1475427891, ClinGen allele CA411406595.

ClinVar aggregate classification (germline): Uncertain significance (1 of 4 stars; one submission).

Allele frequency attached by ClinVar (database versions not stated): gnomAD exomes below 0.00001.
gnomAD v4.1: 3 of 1,614,176 alleles (0.00019%); highest among the groups gnomAD compares: East Asian, 0.0067%; no homozygotes.

Submission:

Labcorp Genetics (formerly Invitae), Labcorp
Classification: Uncertain significance. Last evaluated: 2024-08-27. Review status: criteria provided, single submitter. Criteria: Invitae Variant Classification Sherloc (09022015). Collection method: clinical testing. Allele origin: germline.
Comment: This sequence change replaces serine, which is neutral and polar, with phenylalanine, which is neutral and non-polar, at codon 220 of the CSF2RB protein (p.Ser220Phe). This variant is present in population databases (no rsID available, gnomAD 0.006%). This variant has not been reported in the literature in individuals affected with CSF2RB-related conditions. Invitae Evidence Modeling of protein sequence and biophysical properties (such as structural, functional, and spatial information, amino acid conservation, physicochemical variation, residue mobility, and thermodynamic stability) indicates that this missense variant is expected to disrupt CSF2RB protein function with a positive predictive value of 80%. In summary, the available evidence is currently insufficient to determine the role of this variant in disease. Therefore, it has been classified as a Variant of Uncertain Significance.